The following is an entry in ClinVar:

ClinVar aggregate classification (germline): Uncertain significance. Review status: criteria provided, multiple submitters, no conflicts (2 of 4 stars). 2 submissions from 2 submitters: Uncertain significance (2). Last evaluated 2022-11-05.

Conditions:
Inborn genetic diseases. Identifiers: MedGen C0950123, MeSH D030342.

Allele frequency attached by ClinVar (database versions not stated): gnomAD exomes below 0.00001 and 0.00001; ExAC 0.00001.
gnomAD v4.1: 20 of 1,613,666 alleles (0.0012%); highest among the groups gnomAD compares: East Asian, 0.0022%; no homozygotes.

Submissions (2):

Ambry Genetics
Classification: Uncertain significance for Inborn genetic diseases. Last evaluated: 2022-11-05. Review status: criteria provided, single submitter. Criteria: Ambry Variant Classification Scheme 2023. Collection method: clinical testing. Allele origin: germline.
Comment: The p.A2002T variant (also known as c.6004G>A), located in coding exon 35 of the ATR gene, results from a G to A substitution at nucleotide position 6004. The alanine at codon 2002 is replaced by threonine, an amino acid with similar properties. This amino acid position is conserved. In addition, the in silico prediction for this alteration is inconclusive. Since supporting evidence is limited at this time, the clinical significance of this alteration remains unclear.

Labcorp Genetics (formerly Invitae), Labcorp
Classification: Uncertain significance. Last evaluated: 2021-07-17. Review status: criteria provided, single submitter. Criteria: Invitae Variant Classification Sherloc (09022015). Collection method: clinical testing. Allele origin: germline.
Comment: In summary, the available evidence is currently insufficient to determine the role of this variant in disease. Therefore, it has been classified as a Variant of Uncertain Significance. Algorithms developed to predict the effect of missense changes on protein structure and function are either unavailable or do not agree on the potential impact of this missense change (SIFT: "Tolerated"; PolyPhen-2: "Probably Damaging"; Align-GVGD: "Class C0"). This variant has not been reported in the literature in individuals affected with ATR-related conditions. This variant is present in population databases (rs752846659, ExAC 0.002%). This sequence change replaces alanine with threonine at codon 2002 of the ATR protein (p.Ala2002Thr). The alanine residue is highly conserved and there is a small physicochemical difference between alanine and threonine.

NM_001184.4(ATR):c.6004G>A (p.Ala2002Thr)

Gene: ATR (ATR checkpoint kinase; minus strand). Cytogenetic location: 3q23.
Variant type: single nucleotide variant.
Coding change: c.6004G>A on transcript NM_001184.4 (MANE Select); coding-DNA position 6004, G replaced by A.
Protein change: p.Ala2002Thr; replaces alanine 2002 with threonine.
Molecular consequence: missense variant.
Genome position (GRCh38, 1-based): chr3:142,493,206, C>T on the plus strand (G>A on the coding strand, the complement: ATR is on the minus strand). VCF-style: chr3-142493206-C-T. GRCh37 (hg19) VCF-style: chr3-142212048-C-T.
Other names: c.6004G>A (NM_001184.3); c.5812G>A, p.Ala1938Thr (NM_001354579.2); short protein forms A1938T, A2002T.
Identifiers: ClinVar variation 1432105 (VCV001432105.9), dbSNP rs752846659, ClinGen allele CA2649438.